The following is an entry in ClinVar:

NM_025114.4(CEP290):c.4365C>T (p.Ile1455=)

Gene: CEP290 (centrosomal protein 290; minus strand). Cytogenetic location: 12q21.32.
Variant type: single nucleotide variant.
Coding change: c.4365C>T on transcript NM_025114.4 (MANE Select); coding-DNA position 4365, C replaced by T.
Protein change: p.Ile1455=; no amino-acid change (isoleucine 1455 retained).
Molecular consequence: synonymous variant.
Genome position (GRCh38, 1-based): chr12:88,086,111, G>A on the plus strand (C>T on the coding strand, the complement: CEP290 is on the minus strand). VCF-style: chr12-88086111-G-A. GRCh37 (hg19) VCF-style: chr12-88479888-G-A.
Other names: c.4365C>T (NM_025114.3).
Identifiers: ClinVar variation 1140870 (VCV001140870.11), dbSNP rs552731286, ClinGen allele CA6711954.

ClinVar aggregate classification (germline): Likely benign. Review status: criteria provided, single submitter (1 of 4 stars). 2 submissions from 2 submitters: Likely benign (1). 1 of the submissions does not count toward it. Last evaluated 2024-10-24.

Conditions:
Joubert syndrome. Also called: CEREBELLOPARENCHYMAL DISORDER IV; JOUBERT-BOLTSHAUSER SYNDROME; Familial aplasia of the vermis. Identifiers: Orphanet 475, MedGen C5979921, MONDO:0018772.
Nephronophthisis. Also called: Juvenile Nephronophthisis. Identifiers: Orphanet 655, MedGen C0687120, MONDO:0019005, HP:0000090.
Meckel-Gruber syndrome. Also called: DYSENCEPHALIA SPLANCHNOCYSTICA; GRUBER SYNDROME; Dysencephalia splachnocystica. Identifiers: Orphanet 564, MedGen C0265215, MONDO:0018921.
CEP290-related disorder. Also called: CEP290-related disorders; CEP290-related condition. Identifiers: MedGen CN239314.

Allele frequency attached by ClinVar (database versions not stated): gnomAD 0.00001; gnomAD exomes 0.00001.
gnomAD v4.1: 5 of 1,612,826 alleles (0.00031%); highest among the groups gnomAD compares: Admixed American, 0.0033%; no homozygotes.

Submissions (2):

Labcorp Genetics (formerly Invitae), Labcorp
Classification: Likely benign for Joubert syndrome; Meckel-Gruber syndrome; Nephronophthisis. Last evaluated: 2024-10-24. Review status: criteria provided, single submitter. Criteria: Invitae Variant Classification Sherloc (09022015). Collection method: clinical testing. Allele origin: germline.

PreventionGenetics, part of Exact Sciences
Classification: Likely benign for CEP290-related condition. Last evaluated: 2023-03-16. Review status: no assertion criteria provided. Collection method: clinical testing. Allele origin: germline. Not counted in ClinVar's aggregate classification.
Comment: This variant is classified as likely benign based on ACMG/AMP sequence variant interpretation guidelines (Richards et al. 2015 PMID: 25741868, with internal and published modifications).